The following is an entry in ClinVar:

ClinVar aggregate classification (germline): Benign/Likely benign. Review status: criteria provided, multiple submitters, no conflicts (2 of 4 stars). 2 submissions from 2 submitters: Benign (1); Likely benign (1). Last evaluated 2025-03-28.

Conditions:
Peutz-Jeghers syndrome (PJS). Also called: Peutz-Jeghers polyposis; Periorificial lentiginosis syndrome; POLYPOSIS, HAMARTOMATOUS INTESTINAL; POLYPS-AND-SPOTS SYNDROME. Identifiers: Orphanet 2869, MedGen C0031269, MeSH D010580, MONDO:0008280, OMIM 175200.

Allele frequency attached by ClinVar (database versions not stated): TOPMed below 0.00001.
gnomAD v4.1: 2 of 1,606,144 alleles (0.00012%); highest among the groups gnomAD compares: African/African-American, 0.0013%; no homozygotes.

Submissions (2):

Myriad Genetics, Inc.
Classification: Benign for Peutz-Jeghers syndrome. Last evaluated: 2025-03-28. Review status: criteria provided, single submitter. Criteria: Myriad Autosomal Dominant, Autosomal Recessive and X-Linked Classification Criteria (2023). Collection method: clinical testing. Allele origin: unknown.
Comment: This variant is considered benign. This variant is a silent/synonymous amino acid change and it is not expected to impact splicing.

Labcorp Genetics (formerly Invitae), Labcorp
Classification: Likely benign for Peutz-Jeghers syndrome. Last evaluated: 2022-09-07. Review status: criteria provided, single submitter. Criteria: Invitae Variant Classification Sherloc (09022015). Collection method: clinical testing. Allele origin: germline.

NM_000455.5(STK11):c.1191G>T (p.Ala397=)

Gene: STK11 (serine/threonine kinase 11; plus strand). Cytogenetic location: 19p13.3.
Variant type: single nucleotide variant.
Coding change: c.1191G>T on transcript NM_000455.5 (MANE Select); coding-DNA position 1191, G replaced by T.
Protein change: p.Ala397=; no amino-acid change (alanine 397 retained).
Molecular consequence: synonymous variant. On other transcripts: non-coding transcript variant (1).
Genome position (GRCh38, 1-based): chr19:1,226,536, G>T. VCF-style: chr19-1226536-G-T. GRCh37 (hg19) VCF-style: chr19-1226535-G-T.
Identifiers: ClinVar variation 1921723 (VCV001921723.6), dbSNP rs774759899, ClinGen allele CA504708526.